The following is an entry in ClinVar:

ClinVar aggregate classification (germline): Likely pathogenic (1 of 4 stars; one submission).

Conditions:
NUP93-related disorder. Also called: NUP93-related condition.

Submission:

PreventionGenetics, part of Exact Sciences
Classification: Likely pathogenic for NUP93-related condition. Last evaluated: 2022-09-02. Review status: criteria provided, single submitter. Criteria: ACMG Guidelines, 2015. Collection method: clinical testing. Allele origin: germline.
Comment: The NUP93 c.2190_2191delAG variant is predicted to result in a frameshift and premature protein termination (p.Arg730Serfs*9). To our knowledge, this variant has not been reported in the literature. This variant is reported in 0.0080% of alleles in individuals of African descent in gnomAD. Frameshift variants in NUP93 are expected to be pathogenic. This variant is interpreted as likely pathogenic.

NM_014669.5(NUP93):c.2190_2191del (p.Arg730fs)

Gene: NUP93 (nucleoporin 93; plus strand). Cytogenetic location: 16q13.
Variant type: Microsatellite.
Coding change: c.2190_2191del on transcript NM_014669.5 (MANE Select); coding-DNA positions 2190 to 2191, 2 bases deleted (AG; older notation c.2190_2191delAG).
Protein change: p.Arg730fs; shifts the reading frame from arginine 730.
Molecular consequence: frameshift variant.
Genome position (GRCh38, 1-based): chr16:56,839,574-56,839,575, AG deleted; deleting any 2 consecutive bases within chr16:56,839,568-56,839,575 gives the same sequence; the c. name uses the placement nearest the transcript's 3' end. VCF-style (leftmost placement, unchanged base first): chr16-56839567-AAG-A. GRCh37 (hg19) VCF-style: chr16-56873479-AAG-A.
Other names: c.1821_1822del, p.Arg607fs (NM_001242795.2, NM_001242796.2); short protein forms R607fs, R730fs.
Identifiers: ClinVar variation 2635055 (VCV002635055.1), dbSNP rs1341511822, ClinGen allele CA622340254.